The following is an entry in ClinVar:

NM_001374259.2(IL12RB2):c.2326G>A (p.Asp776Asn)

Gene: IL12RB2 (interleukin 12 receptor subunit beta 2; plus strand). Cytogenetic location: 1p31.3.
Variant type: single nucleotide variant.
Coding change: c.2326G>A on transcript NM_001374259.2 (MANE Select); coding-DNA position 2326, G replaced by A.
Protein change: p.Asp776Asn; replaces aspartic acid 776 with asparagine.
Molecular consequence: missense variant. On other transcripts: 3 prime UTR variant (3), non-coding transcript variant (2).
Genome position (GRCh38, 1-based): chr1:67,395,826, G>A. VCF-style: chr1-67395826-G-A. GRCh37 (hg19) VCF-style: chr1-67861509-G-A.
Other names: c.*246G>A (NM_001258214.1, NM_001319233.1); c.2068G>A, p.Asp690Asn (NM_001258215.1); c.*227G>A (NM_001258216.1); c.2326G>A, p.Asp776Asn (NM_001559.3); short protein forms D690N, D776N.
Identifiers: ClinVar variation 1443716 (VCV001443716.6), dbSNP rs774704366, ClinGen allele CA900709.
Genomic context (GRCh38, chr1:67,395,826, plus strand): 5'-CTCCAAGCTGAGAGCAGACAACTGGTGGATCTGTACAAGGTGCTGGAGAGCAGGGGCTCC[G>A]ACCCAAAGCCCGAAAACCCAGCCTGTCCCTGGACGGTGCTCCCAGCAGGTGACCTTCCCA-3'
Protein context (NP_001361188.1, residues 766-786): LYKVLESRGS[Asp776Asn]PKPENPACPW

ClinVar aggregate classification (germline): Uncertain significance (1 of 4 stars; one submission).

Allele frequency attached by ClinVar (database versions not stated): gnomAD 0.00004 and 0.00005; TOPMed 0.00005.
gnomAD v4.1: 69 of 1,611,988 alleles (0.0043%); highest among the groups gnomAD compares: East Asian, 0.047%; no homozygotes.

Submission:

Labcorp Genetics (formerly Invitae), Labcorp
Classification: Uncertain significance. Last evaluated: 2025-10-26. Review status: criteria provided, single submitter. Criteria: Invitae Variant Classification Sherloc (09022015). Collection method: clinical testing. Allele origin: germline.
Comment: This sequence change replaces aspartic acid, which is acidic and polar, with asparagine, which is neutral and polar, at codon 776 of the IL12RB2 protein (p.Asp776Asn). This variant is present in population databases (rs774704366, gnomAD 0.006%). This variant has not been reported in the literature in individuals affected with IL12RB2-related conditions. ClinVar contains an entry for this variant (Variation ID: 1443716). An algorithm developed to predict the effect of missense changes on protein structure and function outputs the following: PolyPhen-2: "Benign". The asparagine amino acid residue is found in multiple mammalian species, which suggests that this missense change does not adversely affect protein function. In summary, the available evidence is currently insufficient to determine the role of this variant in disease. Therefore, it has been classified as a Variant of Uncertain Significance.